The following is an entry in ClinVar:

NM_001458.5(FLNC):c.7439T>G (p.Val2480Gly)

Genes: FLNC (filamin C; plus strand), FLNC-AS1 (FLNC antisense RNA 1; minus strand). Cytogenetic location: 7q32.1.
Variant type: single nucleotide variant.
Coding change: c.7439T>G on transcript NM_001458.5 (MANE Select); coding-DNA position 7439, T replaced by G.
Protein change: p.Val2480Gly; replaces valine 2480 with glycine.
Molecular consequence: missense variant.
Genome position (GRCh38, 1-based): chr7:128,856,799, T>G. VCF-style: chr7-128856799-T-G. GRCh37 (hg19) VCF-style: chr7-128496853-T-G.
Other names: c.7340T>G, p.Val2447Gly (NM_001127487.2); short protein forms V2447G, V2480G.
Identifiers: ClinVar variation 2949675 (VCV002949675.3), dbSNP rs1376119645, ClinGen allele CA369217375.

ClinVar aggregate classification (germline): Uncertain significance (1 of 4 stars; one submission).

Conditions:
Hypertrophic cardiomyopathy 26. Also called: Cardiomyopathy, familial hypertrophic, 26. Identifiers: Orphanet 75249, MedGen C4310749, MONDO:0014883, OMIM 617047.
Myofibrillar myopathy 5. Also called: Filaminopathy (type); FILAMINOPATHY, AUTOSOMAL DOMINANT. Identifiers: Orphanet 171445, MedGen C1836050, MONDO:0012289, OMIM 609524.
Distal myopathy with posterior leg and anterior hand involvement. Also called: WILLIAMS DISTAL MYOPATHY. Identifiers: Orphanet 63273, MedGen C3279722, MONDO:0013550, OMIM 614065.

Submission:

Labcorp Genetics (formerly Invitae), Labcorp
Classification: Uncertain significance for Distal myopathy with posterior leg and anterior hand involvement; Myofibrillar myopathy 5; Hypertrophic cardiomyopathy 26. Last evaluated: 2023-07-08. Review status: criteria provided, single submitter. Criteria: Invitae Variant Classification Sherloc (09022015). Collection method: clinical testing. Allele origin: germline.
Comment: In summary, the available evidence is currently insufficient to determine the role of this variant in disease. Therefore, it has been classified as a Variant of Uncertain Significance. Advanced modeling of protein sequence and biophysical properties (such as structural, functional, and spatial information, amino acid conservation, physicochemical variation, residue mobility, and thermodynamic stability) has been performed at Invitae for this missense variant, however the output from this modeling did not meet the statistical confidence thresholds required to predict the impact of this variant on FLNC protein function. This variant has not been reported in the literature in individuals affected with FLNC-related conditions. This variant is not present in population databases (gnomAD no frequency). This sequence change replaces valine, which is neutral and non-polar, with glycine, which is neutral and non-polar, at codon 2480 of the FLNC protein (p.Val2480Gly).